The following is an entry in ClinVar:

NM_000053.4(ATP7B):c.4339G>A (p.Asp1447Asn)

Gene: ATP7B (ATPase copper transporting beta; minus strand). Cytogenetic location: 13q14.3.
Variant type: single nucleotide variant.
Coding change: c.4339G>A on transcript NM_000053.4 (MANE Select); coding-DNA position 4339, G replaced by A.
Protein change: p.Asp1447Asn; replaces aspartic acid 1447 with asparagine.
Molecular consequence: missense variant.
Genome position (GRCh38, 1-based): chr13:51,934,815, C>T on the plus strand (G>A on the coding strand, the complement: ATP7B is on the minus strand). VCF-style: chr13-51934815-C-T. GRCh37 (hg19) VCF-style: chr13-52508951-C-T.
Other names: c.3718G>A, p.Asp1240Asn (NM_001005918.3); c.4006G>A, p.Asp1336Asn (NM_001243182.2); c.4105G>A, p.Asp1369Asn (NM_001330578.2, NM_001406527.1, NM_001406528.1); c.4087G>A, p.Asp1363Asn (NM_001330579.2, NM_001406531.1, NM_001406532.1); c.4339G>A, p.Asp1447Asn (NM_001406511.1, NM_001406512.1); c.4333G>A, p.Asp1445Asn (NM_001406513.1); c.4306G>A, p.Asp1436Asn (NM_001406514.1); c.4285G>A, p.Asp1429Asn (NM_001406515.1, NM_001406516.1); and 21 more; short protein forms D1017N, D1166N, D1220N, D1231N, D1240N, D1253N, D1283N, D1285N.
Identifiers: ClinVar variation 3075568 (VCV003075568.3), dbSNP rs370285520, ClinGen allele CA6988414.

ClinVar aggregate classification (germline): Uncertain significance. Review status: criteria provided, multiple submitters, no conflicts (2 of 4 stars). 2 submissions from 2 submitters: Uncertain significance (2). Last evaluated 2024-03-24.

Conditions:
Wilson disease (WND). Also called: Wilson's disease. Identifiers: Orphanet 905, MedGen C0019202, MONDO:0010200, OMIM 277900. Disease mechanism: loss of function.

Allele frequency attached by ClinVar (database versions not stated): gnomAD 0.00001; gnomAD exomes 0.00001; ExAC 0.00002; TOPMed 0.00002; ESP Exome Variant Server 0.00008.
gnomAD v4.1: 18 of 1,614,080 alleles (0.0011%); highest among the groups gnomAD compares: African/African-American, 0.0027%; no homozygotes.

Submissions (2):

All of Us Research Program, National Institutes of Health
Classification: Uncertain significance for Wilson disease. Last evaluated: 2024-03-24. Review status: criteria provided, single submitter. Criteria: ACMG Guidelines, 2015. Collection method: clinical testing. Allele origin: germline. Inheritance: Autosomal recessive inheritance. Observed: 2 variant alleles, 2 heterozygotes.
Comment: This missense variant replaces aspartic acid with asparagine at codon 1447 of the ATP7B protein. Computational prediction suggests that this variant may not impact protein structure and function (internally defined REVEL score threshold <= 0.5, PMID: 27666373). To our knowledge, functional studies have not been reported for this variant. This variant has not been reported in individuals affected with Wilson disease in the literature. This variant has been identified in 5/249522 chromosomes in the general population by the Genome Aggregation Database (gnomAD). The available evidence is insufficient to determine the role of this variant in disease conclusively. Therefore, this variant is classified as a Variant of Uncertain Significance.

This study involves interpretation of variants in research participants for the purpose of population health screening. Participant phenotype was not available at the time of variant classification. Additional details can be found in publication PMID: 35346344, PMCID: PMC8962531

Color Diagnostics, LLC DBA Color Health
Classification: Uncertain significance for Wilson disease. Last evaluated: 2024-03-06. Review status: criteria provided, single submitter. Criteria: ACMG Guidelines, 2015. Collection method: clinical testing. Allele origin: germline.
Comment: This missense variant replaces aspartic acid with asparagine at codon 1447 of the ATP7B protein. Computational prediction suggests that this variant may not impact protein structure and function. To our knowledge, functional studies have not been reported for this variant. This variant has not been reported in individuals affected with Wilson disease in the literature. This variant has been identified in 5/249522 chromosomes in the general population by the Genome Aggregation Database (gnomAD). The available evidence is insufficient to determine the role of this variant in disease conclusively. Therefore, this variant is classified as a Variant of Uncertain Significance.